The following is an entry in ClinVar:

NM_000545.8(HNF1A):c.778A>G (p.Thr260Ala)

Gene: HNF1A (HNF1 homeobox A; plus strand). Cytogenetic location: 12q24.31.
Variant type: single nucleotide variant.
Coding change: c.778A>G on transcript NM_000545.8 (MANE Select); coding-DNA position 778, A replaced by G.
Protein change: p.Thr260Ala; replaces threonine 260 with alanine.
Molecular consequence: missense variant.
Genome position (GRCh38, 1-based): chr12:120,994,228, A>G. VCF-style: chr12-120994228-A-G. GRCh37 (hg19) VCF-style: chr12-121432031-A-G.
Other names: c.778A>G, p.Thr260Ala (NM_001306179.2, NM_001406915.1); short protein forms T260A.
Identifiers: ClinVar variation 2695281 (VCV002695281.3), dbSNP rs2135841573, ClinGen allele CA386966070.

ClinVar aggregate classification (germline): Uncertain significance (1 of 4 stars; one submission).

Submission:

Labcorp Genetics (formerly Invitae), Labcorp
Classification: Uncertain significance. Last evaluated: 2023-11-12. Review status: criteria provided, single submitter. Criteria: Invitae Variant Classification Sherloc (09022015). Collection method: clinical testing. Allele origin: germline.
Comment: This sequence change replaces threonine, which is neutral and polar, with alanine, which is neutral and non-polar, at codon 260 of the HNF1A protein (p.Thr260Ala). This variant is not present in population databases (gnomAD no frequency). This variant has not been reported in the literature in individuals affected with HNF1A-related conditions. Advanced modeling of protein sequence and biophysical properties (such as structural, functional, and spatial information, amino acid conservation, physicochemical variation, residue mobility, and thermodynamic stability) has been performed at Invitae for this missense variant, however the output from this modeling did not meet the statistical confidence thresholds required to predict the impact of this variant on HNF1A protein function. This variant disrupts the p.Thr260 amino acid residue in HNF1A. Other variant(s) that disrupt this residue have been determined to be pathogenic (PMID: 9166684, 15928245, 23607861, 28105082, 30663027; Invitae). This suggests that this residue is clinically significant, and that variants that disrupt this residue are likely to be disease-causing. In summary, the available evidence is currently insufficient to determine the role of this variant in disease. Therefore, it has been classified as a Variant of Uncertain Significance.

Literature cited by the submitters: PubMed 9166684; PubMed 15928245; PubMed 23607861; PubMed 28105082; PubMed 30663027.